The following is an entry in ClinVar:

ClinVar aggregate classification (germline): Uncertain significance (1 of 4 stars; one submission).

Conditions:
Cardiovascular phenotype. Identifiers: MedGen CN230736.

Allele frequency attached by ClinVar (database versions not stated): gnomAD exomes below 0.00001.
gnomAD v4.1: 1 of 1,613,988 alleles (0.000062%); highest among the groups gnomAD compares: Non-Finnish European, 0.000085%; no homozygotes.

Submission:

Ambry Genetics
Classification: Uncertain significance for Cardiovascular phenotype. Last evaluated: 2023-02-16. Review status: criteria provided, single submitter. Criteria: Ambry Variant Classification Scheme 2023. Collection method: clinical testing. Allele origin: germline.
Comment: The p.T1415I variant (also known as c.4244C>T), located in coding exon 23 of the DSP gene, results from a C to T substitution at nucleotide position 4244. The threonine at codon 1415 is replaced by isoleucine, an amino acid with similar properties. This amino acid position is conserved. In addition, the in silico prediction for this alteration is inconclusive. Since supporting evidence is limited at this time, the clinical significance of this alteration remains unclear.

NM_004415.4(DSP):c.4244C>T (p.Thr1415Ile)

Gene: DSP (desmoplakin; plus strand). Cytogenetic location: 6p24.3.
Variant type: single nucleotide variant.
Coding change: c.4244C>T on transcript NM_004415.4 (MANE Select); coding-DNA position 4244, C replaced by T.
Protein change: p.Thr1415Ile; replaces threonine 1415 with isoleucine.
Molecular consequence: missense variant. On other transcripts: intron variant (2).
Genome position (GRCh38, 1-based): chr6:7,580,434, C>T. VCF-style: chr6-7580434-C-T. GRCh37 (hg19) VCF-style: chr6-7580667-C-T.
Other names: c.4050+194C>T (NM_001319034.2); c.3582+662C>T (NM_001008844.3); short protein forms T1415I.
Identifiers: ClinVar variation 2453261 (VCV002453261.2), dbSNP rs2533927936, ClinGen allele CA362685878.
Genomic context (GRCh38, chr6:7,580,434, plus strand): 5'-TAGACAATCTCACCCGAGAAAACAGGAGCTTATCTGAAGAAATAAAGAGGCTGAAGAACA[C>T]TCTAACCCAGACCACAGAGAATCTCAGGAGGGTGGAAGAAGACATCCAACAGCAAAAGGC-3'
Protein context (NP_004406.2, residues 1405-1425): LSEEIKRLKN[Thr1415Ile]LTQTTENLRR